The following is an entry in ClinVar:

ClinVar aggregate classification (germline): Uncertain significance (1 of 4 stars; one submission).

Conditions:
Ataxia-telangiectasia syndrome (AT). Also called: Cerebello-oculocutaneous telangiectasia; Immunodeficiency with ataxia telangiectasia; LOUIS-BAR SYNDROME; AT, COMPLEMENTATION GROUP C; ATAXIA-TELANGIECTASIA, COMPLEMENTATION GROUP A; ATAXIA-TELANGIECTASIA, FRESNO VARIANT. Identifiers: Orphanet 100, MedGen C0004135, MONDO:0008840, OMIM 208900.

Submission:

Labcorp Genetics (formerly Invitae), Labcorp
Classification: Uncertain significance for Ataxia-telangiectasia syndrome. Last evaluated: 2021-08-26. Review status: criteria provided, single submitter. Criteria: Invitae Variant Classification Sherloc (09022015). Collection method: clinical testing. Allele origin: germline.
Comment: In summary, the available evidence is currently insufficient to determine the role of this variant in disease. Therefore, it has been classified as a Variant of Uncertain Significance. This sequence change replaces leucine with serine at codon 1194 of the ATM protein (p.Leu1194Ser). The leucine residue is highly conserved and there is a large physicochemical difference between leucine and serine. This variant is not present in population databases (ExAC no frequency). This variant has not been reported in the literature in individuals affected with ATM-related conditions. Algorithms developed to predict the effect of missense changes on protein structure and function (SIFT, PolyPhen-2, Align-GVGD) all suggest that this variant is likely to be disruptive.

NM_000051.4(ATM):c.3581T>C (p.Leu1194Ser)

Gene: ATM (ATM serine/threonine kinase; plus strand). Cytogenetic location: 11q22.3.
Variant type: single nucleotide variant.
Coding change: c.3581T>C on transcript NM_000051.4 (MANE Select); coding-DNA position 3581, T replaced by C.
Protein change: p.Leu1194Ser; replaces leucine 1194 with serine.
Molecular consequence: missense variant.
Genome position (GRCh38, 1-based): chr11:108,282,714, T>C. VCF-style: chr11-108282714-T-C. GRCh37 (hg19) VCF-style: chr11-108153441-T-C.
Other names: c.3581T>C, p.Leu1194Ser (NM_001351834.2); short protein forms L1194S.
Identifiers: ClinVar variation 940309 (VCV000940309.9), dbSNP rs2082294481, ClinGen allele CA382522469.